The following is an entry in ClinVar:

NM_006073.4(TRDN):c.424G>T (p.Glu142Ter)

Gene: TRDN (triadin; minus strand). Cytogenetic location: 6q22.31.
Variant type: single nucleotide variant.
Coding change: c.424G>T on transcript NM_006073.4 (MANE Select); coding-DNA position 424, G replaced by T.
Protein change: p.Glu142Ter; replaces glutamic acid 142 with a stop codon.
Molecular consequence: nonsense.
Genome position (GRCh38, 1-based): chr6:123,547,340, C>A on the plus strand (G>T on the coding strand, the complement: TRDN is on the minus strand). VCF-style: chr6-123547340-C-A. GRCh37 (hg19) VCF-style: chr6-123868485-C-A.
Other names: c.424G>T, p.Glu142Ter (NM_001251987.2, NM_001256020.2, NM_001256021.2 and 2 more transcripts); short protein forms E142*.
Identifiers: ClinVar variation 2762883 (VCV002762883.3), dbSNP rs2534478800, ClinGen allele CA365568547.

ClinVar aggregate classification (germline): Pathogenic (1 of 4 stars; one submission).

Conditions:
Catecholaminergic polymorphic ventricular tachycardia 1. Also called: RYR2-Related Catecholaminergic Polymorphic Ventricular Tachycardia; VENTRICULAR TACHYCARDIA, STRESS-INDUCED POLYMORPHIC 1; VENTRICULAR TACHYCARDIA, CATECHOLAMINERGIC POLYMORPHIC, 1, WITH OR WITHOUT ATRIAL DYSFUNCTION AND/OR DILATED CARDIOMYOPATHY. Identifiers: Orphanet 3286, MedGen C1631597, MONDO:0011484, OMIM 604772.

Submission:

Labcorp Genetics (formerly Invitae), Labcorp
Classification: Pathogenic for Catecholaminergic polymorphic ventricular tachycardia 1. Last evaluated: 2023-09-26. Review status: criteria provided, single submitter. Criteria: Invitae Variant Classification Sherloc (09022015). Collection method: clinical testing. Allele origin: germline.
Comment: This variant has not been reported in the literature in individuals affected with TRDN-related conditions. Algorithms developed to predict the effect of sequence changes on RNA splicing suggest that this variant may disrupt the consensus splice site. For these reasons, this variant has been classified as Pathogenic. This variant is not present in population databases (gnomAD no frequency). This sequence change creates a premature translational stop signal (p.Glu142*) in the TRDN gene. It is expected to result in an absent or disrupted protein product. Loss-of-function variants in TRDN are known to be pathogenic (PMID: 22422768, 25922419, 26200674, 30649896).

Literature cited by the submitters: PubMed 22422768; PubMed 25922419; PubMed 26200674; PubMed 30649896.